The following is an entry in ClinVar:

ClinVar aggregate classification (germline): Pathogenic (0 of 4 stars; one submission).
ClinVar aggregate classification (oncogenicity): Uncertain significance (0 of 4 stars; one submission).

Conditions:
Gastrointestinal stromal tumor, familial. Identifiers: MedGen C2674636.
Gastrointestinal stromal tumor. Also called: Gastrointestinal stromal tumor, somatic; Gastrointestinal stroma tumor. Identifiers: Orphanet 44890, MedGen C0238198, MeSH D046152, MONDO:0011719, OMIM 606764, HP:0100723.

Submissions (2):

OMIM
Classification: Pathogenic for GASTROINTESTINAL STROMAL TUMOR, FAMILIAL. Last evaluated: 2003-05-27. Review status: no assertion criteria provided. Collection method: literature only. Allele origin: germline.

National Institute of Cancer Research, National Health Research Institutes
Classification: Uncertain significance for Gastrointestinal stromal tumor. Review status: no assertion criteria provided. Collection method: research. Allele origin: somatic. Observed: 1 variant allele.
Comment: the literature

Literature cited by the submitters: PubMed 9697690 (cited by OMIM); PubMed 12754375 (cited by OMIM).

NM_000222.3(KIT):c.1676TTG[1] (p.Val560del)

Gene: KIT (KIT proto-oncogene, receptor tyrosine kinase; plus strand). Cytogenetic location: 4q12.
Variant type: Microsatellite.
Coding change: c.1676TTG[1] on transcript NM_000222.3 (MANE Select); one copy of the 3-base unit TTG starting at c.1676; the reference has two copies in a row; one copy, 3 bases deleted; also written c.1679_1681del.
Protein change: p.Val560del; deletes valine 560.
Molecular consequence: inframe deletion.
Genome position (GRCh38, 1-based): chr4:54,727,447-54,727,449, TTG deleted; deleting any 3 consecutive bases within chr4:54,727,443-54,727,449 gives the same sequence; the position shown is the placement nearest the transcript's 3' end. VCF-style (leftmost placement, unchanged base first): chr4-54727442-GGTT-G. GRCh37 (hg19) VCF-style: chr4-55593608-GGTT-G.
Other names: V559del; c.1664TTG[1], p.Val556del (NM_001093772.2, NM_001385286.1); c.1679TTG[1], p.Val561del (NM_001385284.1, NM_001385290.1); c.1676TTG[1], p.Val560del (NM_001385285.1); c.1667TTG[1], p.Val557del (NM_001385288.1, NM_001385292.1); c.1679_1681del (NM_000222.2); short protein forms V560del, V556del, V557del, V561del.
Identifiers: ClinVar variation 375913 (VCV000375913.2), dbSNP rs121913685, ClinGen allele CA123529.